The following is an entry in ClinVar:

NM_003791.4(MBTPS1):c.1635T>G (p.Ile545Met)

Gene: MBTPS1 (membrane bound transcription factor peptidase, site 1; minus strand). Cytogenetic location: 16q23.3.
Variant type: single nucleotide variant.
Coding change: c.1635T>G on transcript NM_003791.4 (MANE Select); coding-DNA position 1635, T replaced by G.
Protein change: p.Ile545Met; replaces isoleucine 545 with methionine.
Molecular consequence: missense variant.
Genome position (GRCh38, 1-based): chr16:84,070,735, A>C on the plus strand (T>G on the coding strand, the complement: MBTPS1 is on the minus strand). VCF-style: chr16-84070735-A-C. GRCh37 (hg19) VCF-style: chr16-84104340-A-C.
Other names: short protein forms I545M.
Identifiers: ClinVar variation 3774044 (VCV003774044.1).

ClinVar aggregate classification (germline): Uncertain significance (1 of 4 stars; one submission).

Submission:

GeneDx
Classification: Uncertain significance. Last evaluated: 2024-09-19. Review status: criteria provided, single submitter. Criteria: GeneDx Variant Classification Process June 2021. Collection method: clinical testing. Allele origin: germline. Affected: yes.
Comment: Not observed at significant frequency in large population cohorts (gnomAD); In silico analysis indicates that this missense variant does not alter protein structure/function; Has not been previously published as pathogenic or benign to our knowledge